The following is an entry in ClinVar:

NM_001164277.2(SLC37A4):c.149-14A>G

Gene: SLC37A4 (solute carrier family 37 member 4; minus strand). Cytogenetic location: 11q23.3.
Variant type: single nucleotide variant.
Coding change: c.149-14A>G on transcript NM_001164277.2 (MANE Select); 14 bases into the intron before coding-DNA position 149, A replaced by G.
Molecular consequence: intron variant.
Genome position (GRCh38, 1-based): chr11:119,028,440, T>C on the plus strand (A>G on the coding strand, the complement: SLC37A4 is on the minus strand). VCF-style: chr11-119028440-T-C. GRCh37 (hg19) VCF-style: chr11-118899150-T-C.
Other names: c.-71-14A>G (NM_001164279.2); c.149-14A>G (NM_001467.6, NM_001164278.2, NM_001164280.2).
Identifiers: ClinVar variation 139186 (VCV000139186.20), dbSNP rs79849261, ClinGen allele CA293569.
Genomic context (GRCh38, chr11:119,028,440, plus strand): 5'-AAACTTGCTGATAGCATAAGCTGCCGACTGGCTGCTGGTGATGAACCCTGCAGGGAACAT[T>C]ACACTTAGGGGTTAGGGACCAGGGGAGAAACACAGGAGCAATGAAAGAAGGCATGGGGTC-3'

ClinVar aggregate classification (germline): Benign/Likely benign. Review status: criteria provided, multiple submitters, no conflicts (2 of 4 stars). 10 submissions from 9 submitters: Benign (8); Likely benign (2). Last evaluated 2026-02-04.

Conditions:
Glucose-6-phosphate transport defect (GSD1B). Also called: Glycogen Storage Disease Type Ib; GSD Ib. Identifiers: Orphanet 364, Orphanet 79259, MedGen C0268146, MONDO:0009288, OMIM 232220.
Congenital disorder of glycosylation, type IIw. Identifiers: MedGen C5561986, MONDO:0030437, OMIM 619525.
Phosphate transport defect (GSD1C). Also called: GLYCOGEN STORAGE DISEASE Ic; GSD Ic. Identifiers: Orphanet 364, Orphanet 79259, MedGen C0342749, OMIM 232240.
Glycogen storage disease, type I. Identifiers: Orphanet 364, MedGen C0017920, MONDO:0002413.

Allele frequency attached by ClinVar (database versions not stated): ESP Exome Variant Server 0.00642; TOPMed 0.01009; gnomAD 0.01232 and 0.01289; gnomAD exomes 0.01389 and 0.01787; 1000 Genomes Project 30x 0.01718; 1000 Genomes Project 0.01797; ExAC 0.02311.

Submissions (18):

Labcorp Genetics (formerly Invitae), Labcorp
Classification: Benign for Glucose-6-phosphate transport defect. Last evaluated: 2026-02-04. Review status: criteria provided, single submitter. Criteria: Invitae Variant Classification Sherloc (09022015). Collection method: clinical testing. Allele origin: germline.

Blueprint Genetics
Classification: Likely benign. Last evaluated: 2024-11-27. Review status: criteria provided, single submitter. Criteria: ACMG Guidelines, 2015. Collection method: clinical testing. Allele origin: germline.

ARUP Laboratories, Molecular Genetics and Genomics, ARUP Laboratories
Classification: Benign. Last evaluated: 2023-08-21. Review status: criteria provided, single submitter. Criteria: ARUP Molecular Germline Variant Investigation Process 2024. Collection method: clinical testing. Allele origin: germline.

Fulgent Genetics
Classification: Likely benign for Glucose-6-phosphate transport defect; Phosphate transport defect; Congenital disorder of glycosylation, type IIw. Last evaluated: 2021-07-21. Review status: criteria provided, single submitter. Criteria: ACMG Guidelines, 2015. Collection method: clinical testing. Allele origin: unknown.

Genome-Nilou Lab
Classification: Benign for Glucose-6-phosphate transport defect. Last evaluated: 2021-07-01. Review status: criteria provided, single submitter. Criteria: ACMG Guidelines, 2015. Collection method: clinical testing. Allele origin: germline. Affected: no.

Genome-Nilou Lab
Classification: Benign for Phosphate transport defect. Last evaluated: 2021-07-01. Review status: criteria provided, single submitter. Criteria: ACMG Guidelines, 2015. Collection method: clinical testing. Allele origin: germline. Affected: no.

Illumina Laboratory Services, Illumina
Classification: Benign for Glycogen storage disease, type I. Last evaluated: 2018-01-13. Review status: criteria provided, single submitter. Criteria: ICSL Variant Classification Criteria 13 December 2019. Collection method: clinical testing. Allele origin: germline.
Comment: This variant was observed in the ICSL laboratory as part of a predisposition screen in an ostensibly healthy population. It had not been previously curated by ICSL or reported in the Human Gene Mutation Database (HGMD: prior to June 1st, 2018), and was therefore a candidate for classification through an automated scoring system. Utilizing variant allele frequency, disease prevalence and penetrance estimates, and inheritance mode, an automated score was calculated to assess if this variant is too frequent to cause the disease. Based on the score and internal cut-off values, a variant classified as benign is not then subjected to further curation. The score for this variant resulted in a classification of benign for this disease.

GeneDx
Classification: Benign. Last evaluated: 2013-09-25. Review status: criteria provided, single submitter. Criteria: GeneDx Variant Classification (06012015). Collection method: clinical testing. Allele origin: germline. Affected: yes.
Comment: This variant is considered likely benign or benign based on one or more of the following criteria: it is a conservative change, it occurs at a poorly conserved position in the protein, it is predicted to be benign by multiple in silico algorithms, and/or has population frequency not consistent with disease.

Breakthrough Genomics
Classification: Benign. Review status: criteria provided, single submitter. Criteria: ACMG Guidelines, 2015. Collection method: not provided. Allele origin: germline. Inheritance: Autosomal recessive inheritance. Affected: yes.

PreventionGenetics, part of Exact Sciences
Classification: Benign. Review status: criteria provided, single submitter. Criteria: ACMG Guidelines, 2015. Collection method: clinical testing. Allele origin: germline.

Dr. Peter K. Rogan Lab, Western University
No classification provided (evidence only). Condition: Acute myeloid leukemia. Review status: no classification provided. Collection method: in vitro. Allele origin: not applicable. Functional consequence: retained intron. Not counted in ClinVar's aggregate classification.

Dr. Peter K. Rogan Lab, Western University
No classification provided (evidence only). Condition: Sarcoma. Review status: no classification provided. Collection method: in vitro. Allele origin: not applicable. Functional consequence: retained intron. Not counted in ClinVar's aggregate classification.

Dr. Peter K. Rogan Lab, Western University
No classification provided (evidence only). Condition: Sarcoma. Review status: no classification provided. Collection method: in vitro. Allele origin: not applicable. Functional consequence: retained intron. Not counted in ClinVar's aggregate classification.

Dr. Peter K. Rogan Lab, Western University
No classification provided (evidence only). Condition: Ovarian serous cystadenocarcinoma. Review status: no classification provided. Collection method: in vitro. Allele origin: not applicable. Functional consequence: retained intron. Not counted in ClinVar's aggregate classification.

Dr. Peter K. Rogan Lab, Western University
No classification provided (evidence only). Condition: Ovarian serous cystadenocarcinoma. Review status: no classification provided. Collection method: in vitro. Allele origin: not applicable. Functional consequence: retained intron. Not counted in ClinVar's aggregate classification.

Dr. Peter K. Rogan Lab, Western University
No classification provided (evidence only). Condition: Ovarian serous cystadenocarcinoma. Review status: no classification provided. Collection method: in vitro. Allele origin: not applicable. Functional consequence: retained intron. Not counted in ClinVar's aggregate classification.

Dr. Peter K. Rogan Lab, Western University
No classification provided (evidence only). Condition: Gastric cancer. Review status: no classification provided. Collection method: in vitro. Allele origin: not applicable. Functional consequence: retained intron. Not counted in ClinVar's aggregate classification.

Dr. Peter K. Rogan Lab, Western University
No classification provided (evidence only). Condition: Malignant tumor of esophagus. Review status: no classification provided. Collection method: in vitro. Allele origin: not applicable. Functional consequence: skipped exon. Not counted in ClinVar's aggregate classification.